The following is an entry in ClinVar:

NM_024408.4(NOTCH2):c.5099C>T (p.Ala1700Val)

Gene: NOTCH2 (notch receptor 2; minus strand). Cytogenetic location: 1p12.
Variant type: single nucleotide variant.
Coding change: c.5099C>T on transcript NM_024408.4 (MANE Select); coding-DNA position 5099, C replaced by T.
Protein change: p.Ala1700Val; replaces alanine 1700 with valine.
Molecular consequence: missense variant.
Genome position (GRCh38, 1-based): chr1:119,922,350, G>A on the plus strand (C>T on the coding strand, the complement: NOTCH2 is on the minus strand). VCF-style: chr1-119922350-G-A. GRCh37 (hg19) VCF-style: chr1-120464973-G-A.
Other names: short protein forms A1700V.
Identifiers: ClinVar variation 5000662 (VCV005000662.1).

ClinVar aggregate classification (germline): Uncertain significance (1 of 4 stars; one submission).

Conditions:
NOTCH2-related disorder. Also called: NOTCH2-related condition.

gnomAD v4.1: 1 of 1,614,052 alleles (0.000062%); no homozygotes.

Submission:

PreventionGenetics, part of Exact Sciences
Classification: Uncertain significance for NOTCH2-related condition. Last evaluated: 2025-07-09. Review status: criteria provided, single submitter. Criteria: ACMG Guidelines, 2015. Collection method: clinical testing. Allele origin: germline.
Comment: The NOTCH2 c.5099C>T variant is predicted to result in the amino acid substitution p.Ala1700Val. To our knowledge, this variant has not been reported in the literature. This variant is reported in 1 heterozygous individual within the "other" subpopulation in gnomAD. At this time, the clinical significance of this variant is uncertain due to the absence of conclusive functional and genetic evidence.